The following is an entry in ClinVar:

ClinVar aggregate classification (germline): Likely benign (1 of 4 stars; one submission).

Conditions:
Oligodontia-cancer predisposition syndrome. Also called: TOOTH AGENESIS-COLORECTAL CANCER SYNDROME. Identifiers: Orphanet 300576, MedGen C1837750, MONDO:0012075, OMIM 608615. Disease mechanism: loss of function.

Submission:

Myriad Genetics, Inc.
Classification: Likely benign for Oligodontia-cancer predisposition syndrome. Last evaluated: 2024-07-08. Review status: criteria provided, single submitter. Criteria: Myriad Autosomal Dominant, Autosomal Recessive and X-Linked Classification Criteria (2023). Collection method: clinical testing. Allele origin: unknown.
Comment: This variant is considered likely benign. This variant is intronic and is not expected to impact mRNA splicing.

NM_004655.4(AXIN2):c.1908-7dup

Gene: AXIN2 (axin 2; minus strand). Cytogenetic location: 17q24.1.
Variant type: Duplication.
Coding change: c.1908-7dup on transcript NM_004655.4 (MANE Select); 7 bases into the intron before coding-DNA position 1908, one base duplicated (T; older notation c.1908-7dupT).
Molecular consequence: intron variant.
Genome position (GRCh38, 1-based): chr17:65,536,560, A duplicated on the plus strand (T on the coding strand, the reverse complement: AXIN2 is on the minus strand); the first of 2 consecutive A bases (chr17:65,536,560-65,536,561); duplicating either gives the same sequence. VCF-style (leftmost placement, unchanged base first): chr17-65536559-C-CA. GRCh37 (hg19) VCF-style: chr17-63532677-C-CA.
Other names: c.1713-7dup (NM_001363813.1).
Identifiers: ClinVar variation 3379208 (VCV003379208.1).
Genomic context (GRCh38, chr17:65,536,559, plus strand): 5'-GCCTGGAGACGAGCGGGCAGACTCCAAGGGGTAGGCCTTTTTTGTGCTTTGGGCACTAAA[C>CA]AAGGAATGAGCAGAGAGAAAACAGAAGGAAAGAAACTGGGTTAGAAGAACTGGAAAATGT-3'